The following is an entry in ClinVar:

NM_001378418.1(TCF20):c.2116C>T (p.Arg706Cys)

Gene: TCF20 (transcription factor 20; minus strand). Cytogenetic location: 22q13.2.
Variant type: single nucleotide variant.
Coding change: c.2116C>T on transcript NM_001378418.1 (MANE Select); coding-DNA position 2116, C replaced by T.
Protein change: p.Arg706Cys; replaces arginine 706 with cysteine.
Molecular consequence: missense variant.
Genome position (GRCh38, 1-based): chr22:42,213,190, G>A on the plus strand (C>T on the coding strand, the complement: TCF20 is on the minus strand). VCF-style: chr22-42213190-G-A. GRCh37 (hg19) VCF-style: chr22-42609196-G-A.
Other names: c.2116C>T, p.Arg706Cys (NM_005650.4, NM_181492.3); short protein forms R706C.
Identifiers: ClinVar variation 2869180 (VCV002869180.3), dbSNP rs760478206, ClinGen allele CA10267063.
Genomic context (GRCh38, chr22:42,213,190, plus strand): 5'-GAGGAAAGCCACTGACATTTCGTGGCACGGCTGACCCGAAACTATCTTTGTAACTATAGC[G>A]CAGACTTCCAGGAGATTTGCTAGGCTCAGTTCTGCTCGTAAAACCAGGGCCCGCTGCAGA-3'
Protein context (NP_001365347.1, residues 696-716): TEPSKSPGSL[Arg706Cys]YSYKDSFGSA

ClinVar aggregate classification (germline): Uncertain significance (1 of 4 stars; one submission).

Allele frequency attached by ClinVar (database versions not stated): gnomAD 0.00001; gnomAD exomes 0.00001; ExAC 0.00003.
gnomAD v4.1: 17 of 1,614,058 alleles (0.0011%); highest among the groups gnomAD compares: Admixed American, 0.0033%; no homozygotes.

Submission:

Labcorp Genetics (formerly Invitae), Labcorp
Classification: Uncertain significance. Last evaluated: 2023-06-27. Review status: criteria provided, single submitter. Criteria: Invitae Variant Classification Sherloc (09022015). Collection method: clinical testing. Allele origin: germline.
Comment: This sequence change replaces arginine, which is basic and polar, with cysteine, which is neutral and slightly polar, at codon 706 of the TCF20 protein (p.Arg706Cys). This variant is present in population databases (rs760478206, gnomAD 0.006%). This variant has not been reported in the literature in individuals affected with TCF20-related conditions. An algorithm developed to predict the effect of missense changes on protein structure and function (PolyPhen-2) suggests that this variant is likely to be disruptive. In summary, the available evidence is currently insufficient to determine the role of this variant in disease. Therefore, it has been classified as a Variant of Uncertain Significance.